The following is an entry in ClinVar:

ClinVar aggregate classification (germline): Uncertain significance (1 of 4 stars; one submission).

Conditions:
RYR1-related disorder. Also called: RYR1-related condition; RYR1-related disorders. Identifiers: MedGen CN239331.

gnomAD v4.1: 1 of 1,614,256 alleles (0.000062%); highest among the groups gnomAD compares: East Asian, 0.0022%; no homozygotes.

Submission:

Labcorp Genetics (formerly Invitae), Labcorp
Classification: Uncertain significance for RYR1-related disorder. Last evaluated: 2024-05-09. Review status: criteria provided, single submitter. Criteria: Invitae Variant Classification Sherloc (09022015). Collection method: clinical testing. Allele origin: germline.
Comment: This sequence change replaces threonine, which is neutral and polar, with isoleucine, which is neutral and non-polar, at codon 1096 of the RYR1 protein (p.Thr1096Ile). This variant is not present in population databases (gnomAD no frequency). This variant has not been reported in the literature in individuals affected with RYR1-related conditions. Advanced modeling of protein sequence and biophysical properties (such as structural, functional, and spatial information, amino acid conservation, physicochemical variation, residue mobility, and thermodynamic stability) performed at Invitae indicates that this missense variant is not expected to disrupt RYR1 protein function with a negative predictive value of 95%. In summary, the available evidence is currently insufficient to determine the role of this variant in disease. Therefore, it has been classified as a Variant of Uncertain Significance.

NM_000540.3(RYR1):c.3287C>T (p.Thr1096Ile)

Gene: RYR1 (ryanodine receptor 1; plus strand). Cytogenetic location: 19q13.2.
Variant type: single nucleotide variant.
Coding change: c.3287C>T on transcript NM_000540.3 (MANE Select); coding-DNA position 3287, C replaced by T.
Protein change: p.Thr1096Ile; replaces threonine 1096 with isoleucine.
Molecular consequence: missense variant.
Genome position (GRCh38, 1-based): chr19:38,467,718, C>T. VCF-style: chr19-38467718-C-T. GRCh37 (hg19) VCF-style: chr19-38958358-C-T.
Other names: c.3287C>T, p.Thr1096Ile (NM_001042723.2); short protein forms T1096I.
Identifiers: ClinVar variation 3636226 (VCV003636226.2).